The following is an entry in ClinVar:

ClinVar aggregate classification (germline): Uncertain significance. Review status: criteria provided, multiple submitters, no conflicts (2 of 4 stars). 2 submissions from 2 submitters: Uncertain significance (2). Last evaluated 2026-01-07.

Conditions:
Hereditary cancer-predisposing syndrome. Also called: Hereditary neoplastic syndrome; Hereditary Cancer Syndrome; Neoplastic Syndromes, Hereditary; Tumor predisposition. Identifiers: Orphanet 140162, MedGen C0027672, MeSH D009386, MONDO:0015356.
Familial adenomatous polyposis 1 (FAP1). Also called: POLYPOSIS, ADENOMATOUS INTESTINAL; FAMILIAL ADENOMATOUS POLYPOSIS 1, ATTENUATED. Identifiers: MedGen C2713442, MONDO:0021056, OMIM 175100. Disease mechanism: loss of function.

Submissions (2):

Labcorp Genetics (formerly Invitae), Labcorp
Classification: Uncertain significance for Familial adenomatous polyposis 1. Last evaluated: 2026-01-07. Review status: criteria provided, single submitter. Criteria: Invitae Variant Classification Sherloc (09022015). Collection method: clinical testing. Allele origin: germline.
Comment: This sequence change replaces isoleucine, which is neutral and non-polar, with threonine, which is neutral and polar, at codon 887 of the APC protein (p.Ile887Thr). This variant is not present in population databases (gnomAD no frequency). This variant has not been reported in the literature in individuals affected with APC-related conditions. ClinVar contains an entry for this variant (Variation ID: 1402488). Invitae Evidence Modeling of protein sequence and biophysical properties (such as structural, functional, and spatial information, amino acid conservation, physicochemical variation, residue mobility, and thermodynamic stability) indicates that this missense variant is not expected to disrupt APC protein function with a negative predictive value of 95%. In summary, the available evidence is currently insufficient to determine the role of this variant in disease. Therefore, it has been classified as a Variant of Uncertain Significance.

Ambry Genetics
Classification: Uncertain significance for Hereditary cancer-predisposing syndrome. Last evaluated: 2020-09-11. Review status: criteria provided, single submitter. Criteria: Ambry Variant Classification Scheme 2023. Collection method: clinical testing. Allele origin: germline.
Comment: The p.I887T variant (also known as c.2660T>C), located in coding exon 15 of the APC gene, results from a T to C substitution at nucleotide position 2660. The isoleucine at codon 887 is replaced by threonine, an amino acid with similar properties. This amino acid position is highly conserved in available vertebrate species. In addition, in silico predictors for this gene do not accurately predict pathogenicity. Since supporting evidence is limited at this time, the clinical significance of this alteration remains unclear.

NM_000038.6(APC):c.2660T>C (p.Ile887Thr)

Gene: APC (APC regulator of Wnt signaling pathway; plus strand). Cytogenetic location: 5q22.2.
Variant type: single nucleotide variant.
Coding change: c.2660T>C on transcript NM_000038.6 (MANE Select); coding-DNA position 2660, T replaced by C.
Protein change: p.Ile887Thr; replaces isoleucine 887 with threonine.
Molecular consequence: missense variant.
Genome position (GRCh38, 1-based): chr5:112,838,254, T>C. VCF-style: chr5-112838254-T-C. GRCh37 (hg19) VCF-style: chr5-112173951-T-C.
Other names: c.2606T>C, p.Ile869Thr (NM_001127511.3); c.2660T>C, p.Ile887Thr (NM_001354895.2, NM_001127510.3); c.2714T>C, p.Ile905Thr (NM_001354896.2); c.2690T>C, p.Ile897Thr (NM_001354897.2); c.2585T>C, p.Ile862Thr (NM_001354898.2); c.2576T>C, p.Ile859Thr (NM_001354899.2); c.2537T>C, p.Ile846Thr (NM_001354900.2); c.2483T>C, p.Ile828Thr (NM_001354901.2); and 5 more; short protein forms I727T, I846T, I869T, I887T, I859T, I897T, I604T, I796T.
Identifiers: ClinVar variation 1402488 (VCV001402488.10), dbSNP rs2149874752, ClinGen allele CA16027139.
Genomic context (GRCh38, chr5:112,838,254, plus strand): 5'-CAGAAAATCCAGGAACTTCTTCAAAGCGAGGTTTGCAGATCTCCACCACTGCAGCCCAGA[T>C]TGCCAAAGTCATGGAAGAAGTGTCAGCCATTCATACCTCTCAGGAAGACAGAAGTTCTGG-3'
Protein context (NP_000029.2, residues 877-897): GLQISTTAAQ[Ile887Thr]AKVMEEVSAI